The following is an entry in ClinVar:

NM_017757.3(ZNF407):c.4804G>A (p.Val1602Ile)

Gene: ZNF407 (zinc finger protein 407; plus strand). Cytogenetic location: 18q22.3.
Variant type: single nucleotide variant.
Coding change: c.4804G>A on transcript NM_017757.3 (MANE Select); coding-DNA position 4804, G replaced by A.
Protein change: p.Val1602Ile; replaces valine 1602 with isoleucine.
Molecular consequence: missense variant.
Genome position (GRCh38, 1-based): chr18:74,781,429, G>A. VCF-style: chr18-74781429-G-A. GRCh37 (hg19) VCF-style: chr18-72493385-G-A.
Other names: c.4804G>A, p.Val1602Ile (NM_001146190.1, NM_001384475.1, NM_001146189.1); short protein forms V1602I.
Identifiers: ClinVar variation 2467569 (VCV002467569.4), dbSNP rs200738619, ClinGen allele CA9000937.
Genomic context (GRCh38, chr18:74,781,429, plus strand): 5'-ACAGATTTCTAGTGGAGAGTCAAGTTTTAGTTTTATAATTACTTTTGTTTATTTTTTAGG[G>A]TTGCTTTTGTAATGAAGAAGCACTTAAATACTCATCTACTAGGCAAGCATGGAGTTGGCA-3'
Protein context (NP_060227.2, residues 1592-1612): MREYKCHVCG[Val1602Ile]AFVMKKHLNT

ClinVar aggregate classification (germline): Uncertain significance. Review status: criteria provided, multiple submitters, no conflicts (2 of 4 stars). 3 submissions from 3 submitters: Uncertain significance (3). Last evaluated 2026-03-02.

Conditions:
ZNF407-related disorder. Also called: ZNF407-related condition.

Allele frequency attached by ClinVar (database versions not stated): gnomAD 0.00008; ExAC 0.00009; TOPMed 0.00009.
gnomAD v4.1: 123 of 1,535,126 alleles (0.008%); highest among the groups gnomAD compares: Middle Eastern, 0.051%; no homozygotes.

Submissions (3):

PreventionGenetics, part of Exact Sciences
Classification: Uncertain significance for ZNF407-related condition. Last evaluated: 2026-03-02. Review status: criteria provided, single submitter. Criteria: ACMG Guidelines, 2015. Collection method: clinical testing. Allele origin: germline.
Comment: The ZNF407 c.4804G>A variant is predicted to result in the amino acid substitution p.Val1602Ile. To our knowledge, this variant has not been reported in the literature. This variant is reported in 0.019% of alleles in individuals of European (Non-Finnish) descent in gnomAD. At this time, the clinical significance of this variant is uncertain due to the absence of conclusive functional and genetic evidence.

Ambry Genetics
Classification: Uncertain significance. Last evaluated: 2025-05-07. Review status: criteria provided, single submitter. Criteria: Ambry Variant Classification Scheme 2023. Collection method: clinical testing. Allele origin: germline.

GeneDx
Classification: Uncertain significance. Last evaluated: 2023-04-04. Review status: criteria provided, single submitter. Criteria: GeneDx Variant Classification Process June 2021. Collection method: clinical testing. Allele origin: germline. Affected: yes.
Comment: In silico analysis supports that this missense variant does not alter protein structure/function; Has not been previously published as pathogenic or benign to our knowledge